The following is an entry in ClinVar:

ClinVar aggregate classification (germline): Pathogenic/Likely pathogenic. Review status: criteria provided, multiple submitters, no conflicts (2 of 4 stars). 8 submissions from 8 submitters: Pathogenic (4); Likely pathogenic (2). 2 of the submissions do not count toward it. Last evaluated 2026-04-01.

Conditions:
KRIT1-related disorder. Also called: KRIT1-related condition; KRIT1-related disorders.
Cerebral cavernous malformation (CCM). Also called: Cavernous Hemangioma of Brain; CAVERNOUS ANGIOMA, FAMILIAL; Cerebral cavernous malformations; CAVERNOUS ANGIOMATOUS MALFORMATIONS; CEREBRAL CAPILLARY MALFORMATIONS; Cerebral cavernous hemangioma (type). Identifiers: Orphanet 221061, MedGen C2919945, MONDO:0000820, OMIM 116860, HP:0033522.

Submissions (8):

GeneDx
Classification: Pathogenic. Last evaluated: 2026-04-01. Review status: criteria provided, single submitter. Criteria: GeneDx Variant Classification Process June 2021. Collection method: clinical testing. Allele origin: germline.
Comment: Frameshift variant predicted to result in protein truncation or nonsense mediated decay in a gene for which loss of function is a known mechanism of disease; Not observed at significant frequency in large population cohorts (gnomAD); This variant is associated with the following publications: (PMID: 27959697)

Clinical Genomics Laboratory, Washington University in St. Louis
Classification: Pathogenic for Cerebral cavernous malformation. Last evaluated: 2025-08-28. Review status: criteria provided, single submitter. Criteria: ACMG Guidelines, 2015. Collection method: clinical testing. Allele origin: germline. Affected: yes.
Comment: A KRIT1 c.146_147del (p.Arg49Lysfs*14) variant was identified at a near heterozygous allelic fraction of 44.4%, a frequency which may be consistent with it being of germline origin. This variant causes a frameshift by deleting two nucleotides, leading to a premature termination codon, which is predicted to lead to nonsense-mediated decay. This variant has been reported in one individual affected with cerebral cavernous malformation (Posey et al., PMID: 27959697). Other frameshift variants at the same codon c.143dup (p.Arg49Glufs*15) (Cavé-Riant F et al., PMID: 12404106; Spiegler S et al., PMID: 24689081), that also result in premature termination codons, have been identified in individuals affected with cerebral cavernous malformations. While pathogenic variants in the KRIT1 gene are typically identified in individuals with cerebral cavernous malformation, they have also been identified in individuals with cutaneous vascular malformations only, namely, hyperkeratotic cutaneous capillary-venous malformation (HCCVM) (Matarneh B et al., PMID: 34964173) as well as in multiple asymptomatic individuals (Ricci C et al., PMID: 33651268). The KRIT1 c.146_147del (p.Arg49Lysfs*14) variant is only observed on 5/1,611,308 alleles in the general population (gnomAD v.4.1.0), indicating it is not a common variant. It has been reported in the ClinVar database as a germline pathogenic variant by two submitters and a likely pathogenic variant by two submitters (ClinVar ID: 374400). Based on available information and the ACMG/AMP guidelines for variant interpretation (Richards S et al., PMID: 25741868), the KRIT1 c.146_147del (p.Arg49Lysfs*14) variant is classified as pathogenic.

Labcorp Genetics (formerly Invitae), Labcorp
Classification: Pathogenic for Cerebral cavernous malformation. Last evaluated: 2025-05-13. Review status: criteria provided, single submitter. Criteria: Invitae Variant Classification Sherloc (09022015). Collection method: clinical testing. Allele origin: germline.
Comment: This sequence change creates a premature translational stop signal (p.Arg49Lysfs*14) in the KRIT1 gene. It is expected to result in an absent or disrupted protein product. Loss-of-function variants in KRIT1 are known to be pathogenic (PMID: 10508515, 11222804, 12404106, 24689081). This variant is present in population databases (no rsID available, gnomAD 0.002%). This variant has not been reported in the literature in individuals affected with KRIT1-related conditions. ClinVar contains an entry for this variant (Variation ID: 374400). For these reasons, this variant has been classified as Pathogenic.

Blueprint Genetics
Classification: Likely pathogenic for KRIT1-related disorders. Last evaluated: 2024-09-03. Review status: criteria provided, single submitter. Criteria: ACMG Guidelines, 2015. Collection method: clinical testing. Allele origin: germline. Affected: yes. Observed: 5 variant alleles.

Revvity Omics, Revvity
Classification: Likely pathogenic for Cerebral cavernous malformation. Last evaluated: 2021-05-11. Review status: criteria provided, single submitter. Criteria: ACMG Guidelines, 2015. Collection method: clinical testing. Allele origin: germline.

Clinical Biomedical Laboratory, Shriners Hospital For Children - Canada
Classification: Pathogenic for Cerebral cavernous malformation. Review status: criteria provided, single submitter. Criteria: ACMG Guidelines, 2015. Collection method: clinical testing. Allele origin: germline. Affected: yes.
Comment: This variant is predicted to substitute an arginine residue by a lysine residue and introduce a stop codon 14 amino acids downstream. This is expected to lead to degradation of the affected transcript and loss of function of the affected allele. Loss of function variants in KRIT1 are associated with cerebral cavernous malformations. This variant is absent from the Genome Aggregation Database (v2.1.1.), indicating it is very rare. Based on the ACMG variant interpretation guidelines (criteria: PVS1, PS3, PM2), the available evidence supports classification of this variant as pathogenic.

PreventionGenetics, part of Exact Sciences
Classification: Pathogenic for KRIT1-related condition. Last evaluated: 2024-06-20. Review status: no assertion criteria provided. Collection method: clinical testing. Allele origin: germline. Not counted in ClinVar's aggregate classification.
Comment: The KRIT1 c.146_147delGA variant is predicted to result in a frameshift and premature protein termination (p.Arg49Lysfs*14). This variant has been reported to be causative for cerebral cavernous malformations (Posey et al. 2017. PubMed ID: 27959697). At PreventionGenetics, we have observed this variant in several, apparently unrelated, affected individuals. This variant is reported in 0.0018% of alleles in individuals of European (non-Finnish) descent in gnomAD. Frameshift variants in KRIT1 are expected to be pathogenic. This variant is interpreted as pathogenic.

Baylor Genetics
Classification: Likely pathogenic for Cerebral cavernous malformation. Last evaluated: 2016-05-01. Review status: no assertion criteria provided. Collection method: clinical testing. Allele origin: maternal. Inheritance: Autosomal dominant inheritance. Affected: yes. Not counted in ClinVar's aggregate classification.

Literature cited by the submitters: PubMed 10508515 (cited by Labcorp Genetics (formerly Invitae), Labcorp); PubMed 11222804 (cited by Labcorp Genetics (formerly Invitae), Labcorp); PubMed 12404106 (cited by Labcorp Genetics (formerly Invitae), Labcorp); PubMed 24689081 (cited by Labcorp Genetics (formerly Invitae), Labcorp).

NM_194454.3(KRIT1):c.146_147del (p.Arg49fs)

Gene: KRIT1 (KRIT1 ankyrin repeat containing; minus strand). Cytogenetic location: 7q21.2.
Variant type: Microsatellite.
Coding change: c.146_147del on transcript NM_194454.3 (MANE Select); coding-DNA positions 146 to 147, 2 bases deleted (GA; older notation c.146_147delGA).
Protein change: p.Arg49fs; shifts the reading frame from arginine 49.
Molecular consequence: frameshift variant. On other transcripts: 5 prime UTR variant (1).
Genome position (GRCh38, 1-based): chr7:92,241,108-92,241,109, TC deleted on the plus strand (GA on the coding strand, the reverse complement: KRIT1 is on the minus strand); deleting any 2 consecutive bases within chr7:92,241,108-92,241,112 gives the same sequence; the c. name uses the placement nearest the transcript's 3' end. VCF-style (leftmost placement, unchanged base first): chr7-92241107-TTC-T. GRCh37 (hg19) VCF-style: chr7-91870421-TTC-T.
Other names: c.146_147del, p.Arg49fs (NM_001350675.1, NM_001350676.1, NM_001350677.1 and 29 more transcripts); c.-440GA[1] (NM_001350671.1); c.146_147delGA (NM_194456.1); short protein forms R49fs.
Identifiers: ClinVar variation 374400 (VCV000374400.19), dbSNP rs1057518665, ClinGen allele CA16043666.